The following is an entry in ClinVar:

NM_000127.3(EXT1):c.1770_1774del (p.Gly591fs)

Gene: EXT1 (exostosin glycosyltransferase 1; minus strand). Cytogenetic location: 8q24.11.
Variant type: Deletion.
Coding change: c.1770_1774del on transcript NM_000127.3 (MANE Select); coding-DNA positions 1770 to 1774, 5 bases deleted (GGGGT; older notation c.1770_1774delGGGGT).
Protein change: p.Gly591fs; shifts the reading frame from glycine 591.
Molecular consequence: frameshift variant.
Genome position (GRCh38, 1-based): chr8:117,807,326-117,807,330, ACCCC deleted on the plus strand (GGGGT on the coding strand, the reverse complement: EXT1 is on the minus strand); deleting any 5 consecutive bases within chr8:117,807,326-117,807,332 gives the same sequence; the c. name uses the placement nearest the transcript's 3' end. VCF-style (leftmost placement, unchanged base first): chr8-117807325-TACCCC-T. GRCh37 (hg19) VCF-style: chr8-118819564-TACCCC-T.
Other names: short protein forms G591fs.
Identifiers: ClinVar variation 846736 (VCV000846736.9), dbSNP rs1823254431, ClinGen allele CA916081515.
Genomic context (GRCh38, chr8:117,807,325, plus strand): 5'-CACTTTGATGTGTATCCCCACCGCTCCTTAGAGTTATCCCAGAAGTGGCTGCGCGCGGGG[TACCCC>T]ACAATCCTCTCAGGGAAGCTCTGCCACACTGTGAAGGCGAAATCCACCTGCAGGCAGAAC-3'

ClinVar aggregate classification (germline): Pathogenic (1 of 4 stars; one submission).

Conditions:
Multiple congenital exostosis (EXT). Also called: MULTIPLE CARTILAGINOUS EXOSTOSES; Hereditary multiple exostoses; Hereditary multiple exostosis; Multiple exostoses; Multiple osteochondromas; Hereditary multiple osteochondromas. Identifiers: Orphanet 321, MedGen C0015306, MONDO:0005508, HP:0002762.

Submission:

Labcorp Genetics (formerly Invitae), Labcorp
Classification: Pathogenic for Multiple congenital exostosis. Last evaluated: 2019-01-17. Review status: criteria provided, single submitter. Criteria: Invitae Variant Classification Sherloc (09022015). Collection method: clinical testing. Allele origin: germline.
Comment: This variant is not present in population databases (ExAC no frequency). This sequence change creates a premature translational stop signal (p.Gly591Profs*9) in the EXT1 gene. It is expected to result in an absent or disrupted protein product. This variant has been reported in individuals in the Leiden Open-source Variation Database (PMID: 21520333). For these reasons, this variant has been classified as Pathogenic. Loss-of-function variants in EXT1 are known to be pathogenic (PMID: 10679937, 11391482, 19810120).

Literature cited by the submitters: PubMed 21520333; PubMed 10679937; PubMed 11391482; PubMed 19810120.